The following is an entry in ClinVar:

ClinVar aggregate classification (germline): Uncertain significance (1 of 4 stars; one submission).

Conditions:
Neurodevelopmental disorder with hypotonia and speech delay, with or without seizures (NEDHSS). Identifiers: MedGen C5830654, MONDO:0957541, OMIM 620455.

Submission:

OLLIN Analises Genomicas, OLLIN
Classification: Uncertain significance for Neurodevelopmental disorder with hypotonia and speech delay, with or without seizures. Last evaluated: 2026-08-06. Review status: criteria provided, single submitter. Criteria: ACMG Guidelines 2015 PMID 25741868. Collection method: clinical testing. Allele origin: germline. Inheritance: Autosomal dominant inheritance.
Comment: This variant, located in exon 1 (of 11), has been reported in ClinVar (accession VCV002662246.1) and in gnomAD with an allele frequency of 0.00062%. However, to our knowledge, it has not been reported in the scientific literature. According to the currently available evidence, this variant has been classified as uncertain significance (PVS1_M, PM2_P).

NM_001967.4(EIF4A2):c.1A>G (p.Met1Val)

Gene: EIF4A2 (eukaryotic translation initiation factor 4A2; plus strand). Cytogenetic location: 3q27.3.
Variant type: single nucleotide variant.
Coding change: c.1A>G on transcript NM_001967.4 (MANE Select); coding-DNA position 1, A replaced by G.
Protein change: p.Met1Val; changes the start codon (methionine 1).
Molecular consequence: missense variant, initiator codon variant.
Genome position (GRCh38, 1-based): chr3:186,783,611, A>G. VCF-style: chr3-186783611-A-G. GRCh37 (hg19) VCF-style: chr3-186501400-A-G.
Other names: short protein forms M1V.
Identifiers: ClinVar variation 5002672 (VCV005002672.1).